The following is an entry in ClinVar:

ClinVar aggregate classification (germline): Conflicting classifications of pathogenicity. Review status: criteria provided, conflicting classifications (1 of 4 stars). 2 submissions from 2 submitters: Uncertain significance (1); Likely benign (1). Last evaluated 2026-08-29.

Conditions:
Familial thoracic aortic aneurysm and aortic dissection (TAAD). Also called: Thoracic aortic aneurysms and dissections. Identifiers: Orphanet 91387, MedGen C4707243, MONDO:0019625.
Loeys-Dietz syndrome (LDS). Identifiers: Orphanet 60030, MedGen C2697932, MONDO:0018954.

Allele frequency attached by ClinVar (database versions not stated): gnomAD exomes below 0.00001.
gnomAD v4.1: 4 of 1,613,824 alleles (0.00025%); highest among the groups gnomAD compares: African/African-American, 0.0027%; no homozygotes.

Submissions (2):

Ambry Genetics
Classification: Likely benign for Familial thoracic aortic aneurysm and aortic dissection. Last evaluated: 2026-08-29. Review status: criteria provided, single submitter. Criteria: Ambry Variant Classification Scheme 2023. Collection method: clinical testing. Allele origin: germline.

All of Us Research Program, National Institutes of Health
Classification: Uncertain significance for Loeys-Dietz syndrome. Last evaluated: 2023-08-28. Review status: criteria provided, single submitter. Criteria: ACMG Guidelines, 2015. Collection method: clinical testing. Allele origin: germline. Inheritance: Autosomal dominant inheritance. Observed: 1 variant allele, 1 heterozygote.
Comment: This variant is located in the TGFBR1 protein. To our knowledge, functional studies have not been reported for this variant. This variant has not been reported in individuals affected with TGFBR1-related disorders in the literature. This variant has been identified in 2/282380 chromosomes in the general population by the Genome Aggregation Database (gnomAD). The available evidence is insufficient to determine the role of this variant in disease conclusively. Therefore, this variant is classified as a Variant of Uncertain Significance.

This study involves interpretation of variants in research participants for the purpose of population health screening. Participant phenotype was not available at the time of variant classification. Additional details can be found in publication PMID: 35346344, PMCID: PMC8962531

NM_004612.4(TGFBR1):c.117C>T (p.His39=)

Gene: TGFBR1 (transforming growth factor beta receptor 1; plus strand). Cytogenetic location: 9q22.33.
Variant type: single nucleotide variant.
Coding change: c.117C>T on transcript NM_004612.4 (MANE Select); coding-DNA position 117, C replaced by T.
Protein change: p.His39=; no amino-acid change (histidine 39 retained).
Molecular consequence: synonymous variant. On other transcripts: 5 prime UTR variant (15), non-coding transcript variant (4), intron variant (3).
Genome position (GRCh38, 1-based): chr9:99,128,874, C>T. VCF-style: chr9-99128874-C-T. GRCh37 (hg19) VCF-style: chr9-101891156-C-T.
Other names: c.117C>T (NM_004612.2); c.117C>T, p.His39= (NM_001130916.3, NM_001306210.2, NM_001407416.1 and 2 more transcripts); c.-91C>T (NM_001407418.1, NM_001407419.1, NM_001407420.1 and 12 more transcripts); c.98-3635C>T (NM_001407436.1); c.98-8985C>T (NM_001407438.1); c.98-13662C>T (NM_001407437.1).
Identifiers: ClinVar variation 3073261 (VCV003073261.2), dbSNP rs1480867762, ClinGen allele CA466648139.